The following is an entry in ClinVar:

ClinVar aggregate classification (germline): Uncertain significance. Review status: criteria provided, multiple submitters, no conflicts (2 of 4 stars). 2 submissions from 2 submitters: Uncertain significance (2). Last evaluated 2025-02-13.

Conditions:
Hereditary pancreatitis (PCTT). Also called: Hereditary chronic pancreatitis; PRSS1-Related Hereditary Pancreatitis. Identifiers: Orphanet 676, MedGen C0238339, MONDO:0008185, OMIM 167800.

Allele frequency attached by ClinVar (database versions not stated): TOPMed 0.00001; gnomAD 0.00002.
gnomAD v4.1: 13 of 1,561,682 alleles (0.00083%); highest among the groups gnomAD compares: African/African-American, 0.0015%; no homozygotes.

Submissions (2):

Ambry Genetics
Classification: Uncertain significance for Hereditary pancreatitis. Last evaluated: 2025-02-13. Review status: criteria provided, single submitter. Criteria: Ambry Variant Classification Scheme 2023. Collection method: clinical testing. Allele origin: germline.
Comment: The p.A148G variant (also known as c.443C>G), located in coding exon 3 of the PRSS1 gene, results from a C to G substitution at nucleotide position 443. The alanine at codon 148 is replaced by glycine, an amino acid with similar properties. This amino acid position is poorly conserved in available vertebrate species. In addition, this alteration is predicted to be tolerated by in silico analysis. Based on the available evidence, the clinical significance of this variant remains unclear.

Labcorp Genetics (formerly Invitae), Labcorp
Classification: Uncertain significance for Hereditary pancreatitis. Last evaluated: 2022-05-10. Review status: criteria provided, single submitter. Criteria: Invitae Variant Classification Sherloc (09022015). Collection method: clinical testing. Allele origin: germline.
Comment: This variant has not been reported in the literature in individuals affected with PRSS1-related conditions. The frequency data for this variant in the population databases is considered unreliable, as metrics indicate poor data quality at this position in the gnomAD database. This sequence change replaces alanine, which is neutral and non-polar, with glycine, which is neutral and non-polar, at codon 148 of the PRSS1 protein (p.Ala148Gly). Algorithms developed to predict the effect of missense changes on protein structure and function (SIFT, PolyPhen-2, Align-GVGD) all suggest that this variant is likely to be tolerated. In summary, the available evidence is currently insufficient to determine the role of this variant in disease. Therefore, it has been classified as a Variant of Uncertain Significance.

NM_002769.5(PRSS1):c.443C>G (p.Ala148Gly)

Genes: TRB (T cell receptor beta locus; plus strand), PRSS1 (serine protease 1; plus strand). Cytogenetic location: 7q34.
Variant type: single nucleotide variant.
Coding change: c.443C>G on transcript NM_002769.5 (MANE Select); coding-DNA position 443, C replaced by G.
Protein change: p.Ala148Gly; replaces alanine 148 with glycine.
Molecular consequence: missense variant.
Genome position (GRCh38, 1-based): chr7:142,752,016, C>G. VCF-style: chr7-142752016-C-G. GRCh37 (hg19) VCF-style: chr7-142459867-C-G.
Other names: c.443C>G (NM_002769.4); short protein forms A148G.
Identifiers: ClinVar variation 1408604 (VCV001408604.9), dbSNP rs762545562, ClinGen allele CA4529970.